The following is an entry in ClinVar:

ClinVar aggregate classification (germline): Uncertain significance (1 of 4 stars; one submission).

Allele frequency attached by ClinVar (database versions not stated): gnomAD exomes below 0.00001; gnomAD 0.00001; TOPMed 0.00002.

Submission:

GeneDx
Classification: Uncertain significance. Last evaluated: 2021-07-07. Review status: criteria provided, single submitter. Criteria: GeneDx Variant Classification Process June 2021. Collection method: clinical testing. Allele origin: germline. Affected: yes.
Comment: Not observed in large population cohorts (Lek et al., 2016); Has not been previously published as pathogenic or benign to our knowledge; In-silico analysis, which includes splice predictors and evolutionary conservation, is inconclusive as to whether the variant alters gene splicing. In the absence of RNA/functional studies, the actual effect of this sequence change is unknown.

NM_001372044.2(SHANK3):c.2301-11T>C

Gene: SHANK3 (SH3 and multiple ankyrin repeat domains 3; plus strand). Cytogenetic location: 22q13.33.
Variant type: single nucleotide variant.
Coding change: c.2301-11T>C on transcript NM_001372044.2 (MANE Select); 11 bases into the intron before coding-DNA position 2301, T replaced by C.
Molecular consequence: intron variant.
Genome position (GRCh38, 1-based): chr22:50,711,604, T>C. VCF-style: chr22-50711604-T-C. GRCh37 (hg19) VCF-style: chr22-51150032-T-C.
Identifiers: ClinVar variation 1311280 (VCV001311280.2), dbSNP rs946851711, ClinGen allele CA325566447.